The following is an entry in ClinVar:

NC_000003.12:g.160307782_160307783insACCGCATATTCTCACTCATAGGTGGGAATTGAACAATGAGATCACATGGACACAGGAAGGGGAATATCACACNNNNNNNNNNAAAAAAAAAAAAAAAAAAAAAAGAACATTACGAACC

Genes: TRIM59-IFT80 (TRIM59-IFT80 readthrough (NMD candidate); minus strand), IFT80 (intraflagellar transport 80; minus strand). Cytogenetic location: 3q25.33.
Variant type: Insertion.
Genome position: GRCh38: chr3:160,307,782-160,307,783. GRCh37 (hg19): chr3:160,025,570-160,025,571.
Identifiers: ClinVar variation 2698991 (VCV002698991.3), dbSNP rs2473211905.

ClinVar aggregate classification (germline): Pathogenic (1 of 4 stars; one submission).

Conditions:
Jeune thoracic dystrophy. Also called: Short-rib thoracic dysplasia; Jeune syndrome; Infantile thoracic dystrophy; Thoracic pelvic phalangeal dystrophy; Jeune's syndrome; Chondroectodermal dysplasia-like syndrome. Identifiers: Orphanet 474, MedGen C0265275, MONDO:0018770.

Submission:

Labcorp Genetics (formerly Invitae), Labcorp
Classification: Pathogenic for Jeune thoracic dystrophy. Last evaluated: 2024-07-11. Review status: criteria provided, single submitter. Criteria: Invitae Variant Classification Sherloc (09022015). Collection method: clinical testing. Allele origin: germline.
Comment: This sequence change inserts a large fragment of DNA, likely a transposable element, in exon 10 of the IFT80 gene (c.972_973ins?), causing a frameshift at codon 325 (p.Asn325fs). The exact size and sequence of the insertion cannot be determined by the current assay. However, the insertion is expected to result in an absent or disrupted protein product. This variant is not present in population databases (gnomAD no frequency). This variant has not been reported in the literature in individuals affected with IFT80-related conditions. Algorithms developed to predict the effect of sequence changes on RNA splicing suggest that this variant may disrupt the consensus splice site. Retrotransposon insertions including LINE1 (L1), Alu, and SVA (SINE-VNTR-Alu) have been reported to be disease-causing through disruption of either a coding region or splice site (PMID: 19763152, 20307669, 22406018) and loss-of-function variants in IFT80 are known to be pathogenic (PMID: 21227999, 23339108, 29068549). For these reasons, this variant has been classified as Pathogenic.

Literature cited by the submitters: PubMed 19763152; PubMed 20307669; PubMed 22406018; PubMed 21227999; PubMed 23339108; PubMed 29068549.